The following is an entry in ClinVar:

ClinVar aggregate classification (germline): Uncertain significance. Review status: criteria provided, multiple submitters, no conflicts (2 of 4 stars). 3 submissions from 3 submitters: Uncertain significance (2). 1 of the submissions does not count toward it. Last evaluated 2025-09-11.

Conditions:
Inborn genetic diseases. Identifiers: MedGen C0950123, MeSH D030342.
Usher syndrome type 2A. Also called: RETINAL DISEASE IN USHER SYNDROME TYPE IIA, MODIFIER OF; USHER SYNDROME, TYPE IIA. Identifiers: Orphanet 231178, Orphanet 886, MedGen C1848634, MONDO:0010169, OMIM 276901.

Allele frequency attached by ClinVar (database versions not stated): gnomAD exomes below 0.00001; ExAC 0.00002; gnomAD 0.00002 and 0.00003; TOPMed 0.00003; ESP Exome Variant Server 0.00008; 1000 Genomes Project 0.00040; 1000 Genomes Project 30x 0.00062.
gnomAD v4.1: 9 of 1,614,156 alleles (0.00056%); highest among the groups gnomAD compares: African/African-American, 0.012%; no homozygotes.

Submissions (3):

Ambry Genetics
Classification: Uncertain significance for Inborn genetic diseases. Last evaluated: 2025-09-11. Review status: criteria provided, single submitter. Criteria: Ambry Variant Classification Scheme 2023. Collection method: clinical testing. Allele origin: germline.

Labcorp Genetics (formerly Invitae), Labcorp
Classification: Uncertain significance. Last evaluated: 2022-06-13. Review status: criteria provided, single submitter. Criteria: Invitae Variant Classification Sherloc (09022015). Collection method: clinical testing. Allele origin: germline.
Comment: This sequence change replaces threonine, which is neutral and polar, with asparagine, which is neutral and polar, at codon 4652 of the USH2A protein (p.Thr4652Asn). This variant is present in population databases (rs148605973, gnomAD 0.01%). This variant has not been reported in the literature in individuals affected with USH2A-related conditions. ClinVar contains an entry for this variant (Variation ID: 1016483). Algorithms developed to predict the effect of missense changes on protein structure and function are either unavailable or do not agree on the potential impact of this missense change (SIFT: "Deleterious"; PolyPhen-2: "Possibly Damaging"; Align-GVGD: "Class C0"). In summary, the available evidence is currently insufficient to determine the role of this variant in disease. Therefore, it has been classified as a Variant of Uncertain Significance.

Natera, Inc.
Classification: Uncertain significance for Usher syndrome type 2A. Last evaluated: 2021-05-05. Review status: no assertion criteria provided. Collection method: clinical testing. Allele origin: germline. Not counted in ClinVar's aggregate classification.

NM_206933.4(USH2A):c.13955C>A (p.Thr4652Asn)

Gene: USH2A (usherin; minus strand). Cytogenetic location: 1q41.
Variant type: single nucleotide variant.
Coding change: c.13955C>A on transcript NM_206933.4 (MANE Select); coding-DNA position 13955, C replaced by A.
Protein change: p.Thr4652Asn; replaces threonine 4652 with asparagine.
Molecular consequence: missense variant.
Genome position (GRCh38, 1-based): chr1:215,671,150, G>T on the plus strand (C>A on the coding strand, the complement: USH2A is on the minus strand). VCF-style: chr1-215671150-G-T. GRCh37 (hg19) VCF-style: chr1-215844492-G-T.
Other names: c.13955C>A (NM_206933.2); short protein forms T4652N.
Identifiers: ClinVar variation 1016483 (VCV001016483.8), dbSNP rs148605973, ClinGen allele CA1393173.